The following is an entry in ClinVar:

NM_000051.4(ATM):c.8882C>T (p.Thr2961Ile)

Genes: ATM (ATM serine/threonine kinase; plus strand), C11orf65 (chromosome 11 open reading frame 65; minus strand). Cytogenetic location: 11q22.3.
Variant type: single nucleotide variant.
Coding change: c.8882C>T on transcript NM_000051.4 (MANE Select); coding-DNA position 8882, C replaced by T.
Protein change: p.Thr2961Ile; replaces threonine 2961 with isoleucine.
Molecular consequence: missense variant. On other transcripts: intron variant (2).
Genome position (GRCh38, 1-based): chr11:108,365,113, C>T. VCF-style: chr11-108365113-C-T. GRCh37 (hg19) VCF-style: chr11-108235840-C-T.
Other names: c.8882C>T, p.Thr2961Ile (NM_001351834.2); c.640+20807G>A (NM_001330368.2); c.694+20807G>A (NM_001351110.2); short protein forms T2961I.
Identifiers: ClinVar variation 660596 (VCV000660596.10), dbSNP rs1591384581, ClinGen allele CA382529688.

ClinVar aggregate classification (germline): Uncertain significance. Review status: criteria provided, multiple submitters, no conflicts (2 of 4 stars). 2 submissions from 2 submitters: Uncertain significance (2). Last evaluated 2024-10-24.

Conditions:
Hereditary cancer-predisposing syndrome. Also called: Tumor predisposition; Hereditary neoplastic syndrome; Neoplastic Syndromes, Hereditary; Hereditary Cancer Syndrome. Identifiers: Orphanet 140162, MedGen C0027672, MeSH D009386, MONDO:0015356.
Ataxia-telangiectasia syndrome (AT). Also called: Ataxia-telangiectasia, complementation group D; AT, COMPLEMENTATION GROUP C; ATAXIA-TELANGIECTASIA, COMPLEMENTATION GROUP A; ATAXIA-TELANGIECTASIA, FRESNO VARIANT; Ataxia-telangiectasia; LOUIS-BAR SYNDROME. Identifiers: Orphanet 100, MedGen C0004135, MONDO:0008840, OMIM 208900.

Allele frequency attached by ClinVar (database versions not stated): gnomAD exomes below 0.00001.
gnomAD v4.1: 1 of 1,614,092 alleles (0.000062%); highest among the groups gnomAD compares: East Asian, 0.0022%; no homozygotes.

Submissions (2):

Ambry Genetics
Classification: Uncertain significance for Hereditary cancer-predisposing syndrome. Last evaluated: 2024-10-24. Review status: criteria provided, single submitter. Criteria: Ambry Variant Classification Scheme 2023. Collection method: clinical testing. Allele origin: germline.
Comment: The p.T2961I variant (also known as c.8882C>T), located in coding exon 61 of the ATM gene, results from a C to T substitution at nucleotide position 8882. The threonine at codon 2961 is replaced by isoleucine, an amino acid with similar properties. This amino acid position is conserved. In addition, this alteration is predicted to be deleterious by in silico analysis. Based on the available evidence, the clinical significance of this variant remains unclear.

Labcorp Genetics (formerly Invitae), Labcorp
Classification: Uncertain significance for Ataxia-telangiectasia syndrome. Last evaluated: 2023-11-21. Review status: criteria provided, single submitter. Criteria: Invitae Variant Classification Sherloc (09022015). Collection method: clinical testing. Allele origin: germline.
Comment: This sequence change replaces threonine, which is neutral and polar, with isoleucine, which is neutral and non-polar, at codon 2961 of the ATM protein (p.Thr2961Ile). This variant is not present in population databases (gnomAD no frequency). This variant has not been reported in the literature in individuals affected with ATM-related conditions. ClinVar contains an entry for this variant (Variation ID: 660596). An algorithm developed to predict the effect of missense changes on protein structure and function (PolyPhen-2) suggests that this variant is likely to be disruptive. In summary, the available evidence is currently insufficient to determine the role of this variant in disease. Therefore, it has been classified as a Variant of Uncertain Significance.